The following is an entry in ClinVar:

NM_000059.4(BRCA2):c.7191del (p.Thr2398fs)

Gene: BRCA2 (BRCA2 DNA repair associated; plus strand). Cytogenetic location: 13q13.1.
Variant type: Deletion.
Coding change: c.7191del on transcript NM_000059.4 (MANE Select); coding-DNA position 7191, one base deleted (T; older notation c.7191delT).
Protein change: p.Thr2398fs; shifts the reading frame from threonine 2398.
Molecular consequence: frameshift variant.
Genome position (GRCh38, 1-based): chr13:32,355,044, T deleted; the last of 2 consecutive T bases (chr13:32,355,043-32,355,044); deleting either gives the same sequence. VCF-style (leftmost placement, unchanged base first): chr13-32355042-AT-A. GRCh37 (hg19) VCF-style: chr13-32929179-AT-A.
Other names: 7419delT; short protein forms T2398fs.
Identifiers: ClinVar variation 266990 (VCV000266990.5), dbSNP rs886040690, ClinGen allele CA10589416.

ClinVar aggregate classification (germline): Pathogenic. Review status: reviewed by expert panel (3 of 4 stars). 2 submissions from 2 submitters: Pathogenic (1). 1 of the submissions does not count toward it. Last evaluated 2016-10-18.

Conditions:
Breast-ovarian cancer, familial, susceptibility to, 2 (BROVCA2). Also called: BRCA2 Hereditary Breast and Ovarian Cancer. Identifiers: Orphanet 145, MedGen C2675520, MONDO:0012933, OMIM 612555. Disease mechanism: loss of function.

Submissions (2):

Evidence-based Network for the Interpretation of Germline Mutant Alleles (ENIGMA)
Classification: Pathogenic for Breast-ovarian cancer, familial, susceptibility to, 2. Last evaluated: 2016-10-18. Review status: reviewed by expert panel. Criteria: ENIGMA BRCA1/2 Classification Criteria (2015). Collection method: curation. Allele origin: germline.
Comment: Variant allele predicted to encode a truncated non-functional protein.

Consortium of Investigators of Modifiers of BRCA1/2 (CIMBA), c/o University of Cambridge
Classification: Pathogenic for Breast-ovarian cancer, familial, susceptibility to, 2. Last evaluated: 2015-10-02. Review status: criteria provided, single submitter. Criteria: CIMBA Mutation Classification guidelines May 2016. Collection method: clinical testing. Allele origin: germline. Not counted in ClinVar's aggregate classification.